The following is an entry in ClinVar:

ClinVar aggregate classification (germline): Uncertain significance (1 of 4 stars; one submission).

Conditions:
RASopathy. Also called: rasopathies; Noonan spectrum disorder. Identifiers: Orphanet 536391, MedGen C5555857, MONDO:0021060.

Submission:

Labcorp Genetics (formerly Invitae), Labcorp
Classification: Uncertain significance for RASopathy. Last evaluated: 2025-12-27. Review status: criteria provided, single submitter. Criteria: Invitae Variant Classification Sherloc (09022015). Collection method: clinical testing. Allele origin: germline.
Comment: This sequence change creates a premature translational stop signal (p.Ala11Argfs*92) in the MAP2K2 gene. It is expected to result in an absent or disrupted protein product. However, the current clinical and genetic evidence is not sufficient to establish whether loss-of-function variants in MAP2K2 cause disease. This variant is not present in population databases (gnomAD no frequency). This variant has not been reported in the literature in individuals affected with MAP2K2-related conditions. In summary, the available evidence is currently insufficient to determine the role of this variant in disease. Therefore, it has been classified as a Variant of Uncertain Significance.

NM_030662.4(MAP2K2):c.31del (p.Ala11fs)

Genes: MAP2K2 (mitogen-activated protein kinase kinase 2; minus strand), LOC130063193 (ATAC-STARR-seq lymphoblastoid silent region 9881; plus strand). Cytogenetic location: 19p13.3.
Variant type: Deletion.
Coding change: c.31del on transcript NM_030662.4 (MANE Select); coding-DNA position 31, one base deleted (G; older notation c.31delG).
Protein change: p.Ala11fs; shifts the reading frame from alanine 11.
Molecular consequence: frameshift variant.
Genome position (GRCh38, 1-based): chr19:4,123,845, C deleted on the plus strand (G on the coding strand, the reverse complement: MAP2K2 is on the minus strand); the first of 2 consecutive C bases (chr19:4,123,845-4,123,846); deleting either gives the same sequence. VCF-style (leftmost placement, unchanged base first): chr19-4123844-GC-G. GRCh37 (hg19) VCF-style: chr19-4123841-GC-G.
Other names: c.31del, p.Ala11fs (NM_001440688.1); short protein forms A11fs.
Identifiers: ClinVar variation 4762607 (VCV004762607.1).